The following is an entry in ClinVar:

NC_012920.1(MT-TL1):m.3275C>A

Gene: MT-TL1 (mitochondrially encoded tRNA leucine 1 (UUA/G); plus strand).
Variant type: single nucleotide variant.
Genome position: chrM-3275-C-A.
Identifiers: ClinVar variation 689867 (VCV000689867.1), dbSNP rs1057516057, ClinGen allele CA913169088.

ClinVar aggregate classification (germline): Likely benign (1 of 4 stars; one submission).

Conditions:
MELAS syndrome (MELAS). Also called: Juvenile myopathy, encephalopathy, lactic acidosis, stroke. Identifiers: Orphanet 550, MedGen C0162671, MONDO:0010789, OMIM 540000.

Submission:

Wong Mito Lab, Molecular and Human Genetics, Baylor College of Medicine
Classification: Likely benign for MELAS syndrome. Last evaluated: 2019-07-12. Review status: criteria provided, single submitter. Criteria: Modified ACMG Guidelines (Unpublished). Collection method: clinical testing. Allele origin: germline.
Comment: The NC_012920.1:m.3275C>A variant in MT-TL1 gene is interpreted to be a Likely Benign variant based on the modified ACMG guidelines (unpublished). This variant meets the following evidence codes reported in the guidelines: BS4, BP4

Literature cited by the submitters: PubMed 31965079; PubMed 29155328.